The following is an entry in ClinVar:

NM_005445.4(SMC3):c.2273G>A (p.Arg758His)

Gene: SMC3 (structural maintenance of chromosomes 3; plus strand). Cytogenetic location: 10q25.2.
Variant type: single nucleotide variant.
Coding change: c.2273G>A on transcript NM_005445.4 (MANE Select); coding-DNA position 2273, G replaced by A.
Protein change: p.Arg758His; replaces arginine 758 with histidine.
Molecular consequence: missense variant.
Genome position (GRCh38, 1-based): chr10:110,599,658, G>A. VCF-style: chr10-110599658-G-A. GRCh37 (hg19) VCF-style: chr10-112359416-G-A.
Other names: short protein forms R758H.
Identifiers: ClinVar variation 2015323 (VCV002015323.4), dbSNP rs2493143821, ClinGen allele CA378392469.

ClinVar aggregate classification (germline): Uncertain significance (1 of 4 stars; one submission).

Conditions:
Cornelia de Lange syndrome 3 (CDLS3). Also called: SMC3-Related Cornelia de Lange Syndrome; CORNELIA DE LANGE SYNDROME 3 WITH OR WITHOUT MIDLINE BRAIN DEFECTS. Identifiers: Orphanet 199, MedGen C1853099, MONDO:0012555, OMIM 610759.

Allele frequency attached by ClinVar (database versions not stated): gnomAD exomes below 0.00001.
gnomAD v4.1: 2 of 1,613,546 alleles (0.00012%); highest among the groups gnomAD compares: African/African-American, 0.0013%; no homozygotes.

Submission:

Labcorp Genetics (formerly Invitae), Labcorp
Classification: Uncertain significance for Cornelia de Lange syndrome 3. Last evaluated: 2022-07-09. Review status: criteria provided, single submitter. Criteria: Invitae Variant Classification Sherloc (09022015). Collection method: clinical testing. Allele origin: germline.
Comment: Algorithms developed to predict the effect of missense changes on protein structure and function are either unavailable or do not agree on the potential impact of this missense change (SIFT: "Tolerated"; PolyPhen-2: "Probably Damaging"; Align-GVGD: "Class C0"). In summary, the available evidence is currently insufficient to determine the role of this variant in disease. Therefore, it has been classified as a Variant of Uncertain Significance. This variant has not been reported in the literature in individuals affected with SMC3-related conditions. This variant is not present in population databases (gnomAD no frequency). This sequence change replaces arginine, which is basic and polar, with histidine, which is basic and polar, at codon 758 of the SMC3 protein (p.Arg758His).